The following is an entry in ClinVar:

ClinVar aggregate classification (germline): Uncertain significance (1 of 4 stars; one submission).

Conditions:
AR-related disorder. Also called: AR-related condition.

gnomAD v4.1: 2 of 1,198,996 alleles (0.00017%); highest among the groups gnomAD compares: Non-Finnish European, 0.00011%; no homozygotes.

Submission:

PreventionGenetics, part of Exact Sciences
Classification: Uncertain significance for AR-related condition. Last evaluated: 2025-10-05. Review status: criteria provided, single submitter. Criteria: ACMG Guidelines, 2015. Collection method: clinical testing. Allele origin: germline.
Comment: The AR c.1145A>C variant is predicted to result in the amino acid substitution p.His382Pro. To our knowledge, this variant has not been reported in the literature. This variant is reported in 0.0015% of alleles in individuals of European (Non-Finnish) descent in gnomAD. At this time, the clinical significance of this variant is uncertain due to the absence of conclusive functional and genetic evidence.

NM_000044.6(AR):c.1145A>C (p.His382Pro)

Gene: AR (androgen receptor; plus strand). Cytogenetic location: Xq12.
Variant type: single nucleotide variant.
Coding change: c.1145A>C on transcript NM_000044.6 (MANE Select); coding-DNA position 1145, A replaced by C.
Protein change: p.His382Pro; replaces histidine 382 with proline.
Molecular consequence: missense variant. On other transcripts: 5 prime UTR variant (1).
Genome position (GRCh38, 1-based): chrX:67,546,291, A>C. VCF-style: chrX-67546291-A-C. GRCh37 (hg19) VCF-style: chrX-66766133-A-C.
Other names: c.-639A>C (NM_001011645.3); c.1145A>C, p.His382Pro (NM_001348061.1, NM_001348063.1, NM_001348064.1); short protein forms H382P.
Identifiers: ClinVar variation 4988019 (VCV004988019.1).
Genomic context (GRCh38, chrX:67,546,291, plus strand): 5'-GCGACTACTACAACTTTCCACTGGCTCTGGCCGGACCGCCGCCCCCTCCGCCGCCTCCCC[A>C]TCCCCACGCTCGCATCAAGCTGGAGAACCCGCTGGACTACGGCAGCGCCTGGGCGGCTGC-3'
Protein context (NP_000035.2, residues 372-392): AGPPPPPPPP[His382Pro]PHARIKLENP